The following is an entry in ClinVar:

ClinVar aggregate classification (germline): Benign. Review status: criteria provided, multiple submitters, no conflicts (2 of 4 stars). 5 submissions from 5 submitters: Benign (5). Last evaluated 2026-01-19.

Conditions:
Mitochondrial DNA depletion syndrome 6 (hepatocerebral type). Also called: NAVAJO NEUROPATHY; Navajo neurohepatopathy; Mitochondrial DNA depletion syndrome type 6. Identifiers: Orphanet 255229, MedGen C1850406, MONDO:0009747, OMIM 256810.

Allele frequency attached by ClinVar (database versions not stated): gnomAD 0.00013 and 0.00014; TOPMed 0.00054; ExAC 0.00131; gnomAD exomes 0.00142.
gnomAD v4.1: 408 of 1,613,574 alleles (0.025%); highest among the groups gnomAD compares: Admixed American, 0.67%; 3 homozygotes.

Submissions (5):

Labcorp Genetics (formerly Invitae), Labcorp
Classification: Benign. Last evaluated: 2026-01-19. Review status: criteria provided, single submitter. Criteria: Invitae Variant Classification Sherloc (09022015). Collection method: clinical testing. Allele origin: germline.

GeneDx
Classification: Benign. Last evaluated: 2018-10-22. Review status: criteria provided, single submitter. Criteria: GeneDx Variant Classification Process June 2021. Collection method: clinical testing. Allele origin: germline. Affected: yes.

ARUP Laboratories, Molecular Genetics and Genomics, ARUP Laboratories
Classification: Benign. Last evaluated: 2018-05-30. Review status: criteria provided, single submitter. Criteria: ARUP Molecular Germline Variant Investigation Process. Collection method: clinical testing. Allele origin: germline.

Illumina Laboratory Services, Illumina
Classification: Benign for Mitochondrial DNA depletion syndrome 6 (hepatocerebral type). Last evaluated: 2018-01-13. Review status: criteria provided, single submitter. Criteria: ICSL Variant Classification Criteria 13 December 2019. Collection method: clinical testing. Allele origin: germline.
Comment: This variant was observed in the ICSL laboratory as part of a predisposition screen in an ostensibly healthy population. It had not been previously curated by ICSL or reported in the Human Gene Mutation Database (HGMD: prior to June 1st, 2018), and was therefore a candidate for classification through an automated scoring system. Utilizing variant allele frequency, disease prevalence and penetrance estimates, and inheritance mode, an automated score was calculated to assess if this variant is too frequent to cause the disease. Based on the score and internal cut-off values, a variant classified as benign is not then subjected to further curation. The score for this variant resulted in a classification of benign for this disease.

Breakthrough Genomics
Classification: Benign. Review status: criteria provided, single submitter. Criteria: ACMG Guidelines, 2015. Collection method: not provided. Allele origin: germline. Inheritance: Autosomal recessive inheritance. Affected: yes.

NM_002437.5(MPV17):c.444G>A (p.Leu148=)

Gene: MPV17 (mitochondrial inner membrane protein MPV17; minus strand). Cytogenetic location: 2p23.3.
Variant type: single nucleotide variant.
Coding change: c.444G>A on transcript NM_002437.5 (MANE Select); coding-DNA position 444, G replaced by A.
Protein change: p.Leu148=; no amino-acid change (leucine 148 retained).
Molecular consequence: synonymous variant.
Genome position (GRCh38, 1-based): chr2:27,311,916, C>T on the plus strand (G>A on the coding strand, the complement: MPV17 is on the minus strand). VCF-style: chr2-27311916-C-T. GRCh37 (hg19) VCF-style: chr2-27534784-C-T.
Identifiers: ClinVar variation 387978 (VCV000387978.24), dbSNP rs776964645, ClinGen allele CA1575510.